The following is an entry in ClinVar:

NM_005633.4(SOS1):c.807G>C (p.Met269Ile)

Gene: SOS1 (SOS Ras/Rac guanine nucleotide exchange factor 1; minus strand). Cytogenetic location: 2p22.1.
Variant type: single nucleotide variant.
Coding change: c.807G>C on transcript NM_005633.4 (MANE Select); coding-DNA position 807, G replaced by C.
Protein change: p.Met269Ile; replaces methionine 269 with isoleucine.
Molecular consequence: missense variant.
Genome position (GRCh38, 1-based): chr2:39,051,201, C>G on the plus strand (G>C on the coding strand, the complement: SOS1 is on the minus strand). VCF-style: chr2-39051201-C-G. GRCh37 (hg19) VCF-style: chr2-39278342-C-G.
Other names: c.786G>C, p.Met262Ile (NM_001382394.1); c.807G>C, p.Met269Ile (NM_001382395.1); short protein forms M262I, M269I.
Identifiers: ClinVar variation 3777446 (VCV003777446.1).

ClinVar aggregate classification (germline): Pathogenic (1 of 4 stars; one submission).

Submission:

GeneDx
Classification: Pathogenic. Last evaluated: 2024-10-14. Review status: criteria provided, single submitter. Criteria: GeneDx Variant Classification Process June 2021. Collection method: clinical testing. Allele origin: germline. Affected: yes.
Comment: Has not been previously reported as a pathogenic or benign germline variant to our knowledge; Multiple pathogenic missense variants at this residue [p.(M269T) and p.(M269R)] have been reported in association with SOS1-related RASopathy (PMID: 17143282, 17143285, 19953625, 20683980); Missense variants in this gene are a common cause of disease and they are underrepresented in the general population; In silico analysis indicates that this missense variant does not alter protein structure/function; Not observed at significant frequency in large population cohorts (gnomAD); This variant is associated with the following publications: (PMID: 33035641, 29625050, 17143282, 17143285, 19953625, 20683980, 12628188, 20648242, 21387466, 29493581)